The following is an entry in ClinVar:

NM_032217.5(ANKRD17):c.7169C>T (p.Ala2390Val)

Gene: ANKRD17 (ankyrin repeat domain 17; minus strand). Cytogenetic location: 4q13.3.
Variant type: single nucleotide variant.
Coding change: c.7169C>T on transcript NM_032217.5 (MANE Select); coding-DNA position 7169, C replaced by T.
Protein change: p.Ala2390Val; replaces alanine 2390 with valine.
Molecular consequence: missense variant.
Genome position (GRCh38, 1-based): chr4:73,078,881, G>A on the plus strand (C>T on the coding strand, the complement: ANKRD17 is on the minus strand). VCF-style: chr4-73078881-G-A. GRCh37 (hg19) VCF-style: chr4-73944598-G-A.
Other names: c.6830C>T, p.Ala2277Val (NM_001286771.3); c.7166C>T, p.Ala2389Val (NM_015574.2); c.6416C>T, p.Ala2139Val (NM_198889.3); short protein forms A2139V, A2277V, A2389V, A2390V.
Identifiers: ClinVar variation 4087802 (VCV004087802.1).

ClinVar aggregate classification (germline): Uncertain significance (1 of 4 stars; one submission).

Submission:

GeneDx
Classification: Uncertain significance. Last evaluated: 2025-03-25. Review status: criteria provided, single submitter. Criteria: GeneDx Variant Classification Process June 2021. Collection method: clinical testing. Allele origin: germline. Affected: yes.
Comment: Not observed at significant frequency in large population cohorts (gnomAD); In silico analysis indicates that this missense variant does not alter protein structure/function; Has not been previously published as pathogenic or benign to our knowledge